The following is an entry in ClinVar:

ClinVar aggregate classification (germline): Uncertain significance. Review status: criteria provided, multiple submitters, no conflicts (2 of 4 stars). 2 submissions from 2 submitters: Uncertain significance (2). Last evaluated 2025-09-01.

Conditions:
Inborn genetic diseases. Identifiers: MedGen C0950123, MeSH D030342.
Congenital myasthenic syndrome 8. Also called: Myasthenic syndrome, congenital, 8, with pre- and postsynaptic defects; MYASTHENIC SYNDROME, CONGENITAL, DUE TO AGRIN DEFICIENCY. Identifiers: Orphanet 590, MedGen C3808739, MONDO:0014052, OMIM 615120.

Submissions (2):

Ambry Genetics
Classification: Uncertain significance for Inborn genetic diseases. Last evaluated: 2025-09-01. Review status: criteria provided, single submitter. Criteria: Ambry Variant Classification Scheme 2023. Collection method: clinical testing. Allele origin: germline.

Labcorp Genetics (formerly Invitae), Labcorp
Classification: Uncertain significance for Congenital myasthenic syndrome 8. Last evaluated: 2022-08-17. Review status: criteria provided, single submitter. Criteria: Invitae Variant Classification Sherloc (09022015). Collection method: clinical testing. Allele origin: germline.
Comment: In summary, the available evidence is currently insufficient to determine the role of this variant in disease. Therefore, it has been classified as a Variant of Uncertain Significance. Algorithms developed to predict the effect of missense changes on protein structure and function are either unavailable or do not agree on the potential impact of this missense change (SIFT: "Deleterious"; PolyPhen-2: "Probably Damaging"; Align-GVGD: "Class C0"). This variant is not present in population databases (gnomAD no frequency). This sequence change replaces tyrosine, which is neutral and polar, with cysteine, which is neutral and slightly polar, at codon 498 of the AGRN protein (p.Tyr498Cys). This variant has not been reported in the literature in individuals affected with AGRN-related conditions.

NM_198576.4(AGRN):c.1493A>G (p.Tyr498Cys)

Gene: AGRN (agrin; plus strand). Cytogenetic location: 1p36.33.
Variant type: single nucleotide variant.
Coding change: c.1493A>G on transcript NM_198576.4 (MANE Select); coding-DNA position 1493, A replaced by G.
Protein change: p.Tyr498Cys; replaces tyrosine 498 with cysteine.
Molecular consequence: missense variant.
Genome position (GRCh38, 1-based): chr1:1,043,347, A>G. VCF-style: chr1-1043347-A-G. GRCh37 (hg19) VCF-style: chr1-978727-A-G.
Other names: c.1493A>G, p.Tyr498Cys (NM_001305275.2); c.1178A>G, p.Tyr393Cys (NM_001364727.2); c.1493A>G (NM_198576.3); short protein forms Y393C, Y498C.
Identifiers: ClinVar variation 2146717 (VCV002146717.5), dbSNP rs2522685883, ClinGen allele CA337830961.